The following is an entry in ClinVar:

ClinVar aggregate classification (germline): Pathogenic (1 of 4 stars; one submission).

Conditions:
Primary ciliary dyskinesia. Also called: Ciliary dyskinesia. Identifiers: Orphanet 244, MedGen C0008780, MONDO:0016575, HP:0012265.

Submission:

Labcorp Genetics (formerly Invitae), Labcorp
Classification: Pathogenic for Primary ciliary dyskinesia. Last evaluated: 2023-10-06. Review status: criteria provided, single submitter. Criteria: Invitae Variant Classification Sherloc (09022015). Collection method: clinical testing. Allele origin: germline.
Comment: This sequence change creates a premature translational stop signal (p.Glu890*) in the DNAH11 gene. It is expected to result in an absent or disrupted protein product. Loss-of-function variants in DNAH11 are known to be pathogenic (PMID: 18022865, 20513915, 22184204). This variant is not present in population databases (gnomAD no frequency). This variant has not been reported in the literature in individuals affected with DNAH11-related conditions. For these reasons, this variant has been classified as Pathogenic.

Literature cited by the submitters: PubMed 18022865; PubMed 20513915; PubMed 22184204.

NM_001277115.2(DNAH11):c.2668G>T (p.Glu890Ter)

Gene: DNAH11 (dynein axonemal heavy chain 11; plus strand). Cytogenetic location: 7p15.3.
Variant type: single nucleotide variant.
Coding change: c.2668G>T on transcript NM_001277115.2 (MANE Select); coding-DNA position 2668, G replaced by T.
Protein change: p.Glu890Ter; replaces glutamic acid 890 with a stop codon.
Molecular consequence: nonsense.
Genome position (GRCh38, 1-based): chr7:21,599,787, G>T. VCF-style: chr7-21599787-G-T. GRCh37 (hg19) VCF-style: chr7-21639405-G-T.
Other names: c.2668G>T, p.Glu890Ter (NM_003777.3); short protein forms E890*.
Identifiers: ClinVar variation 2766279 (VCV002766279.3), dbSNP rs1182156737, ClinGen allele CA366943656.
Genomic context (GRCh38, chr7:21,599,787, plus strand): 5'-TTTTAGTTTTTATGCTAATTATTTGTTTATATTCATCCACTAATACTTGTCTGTTTCTAG[G>T]AAAATAGGAAGCTCTTCAAAGCCAATCCCTCTCTGGATACCTGGAAAATTTATGTAGAAT-3'